The following is an entry in ClinVar:

ClinVar aggregate classification (germline): Uncertain significance (1 of 4 stars; one submission).

Conditions:
Neurodegeneration with brain iron accumulation 5 (NBIA5). Also called: Beta-propeller protein-associated neurodegeneration; STATIC ENCEPHALOPATHY OF CHILDHOOD WITH NEURODEGENERATION IN ADULTHOOD. Identifiers: Orphanet 329284, MedGen C3550973, MONDO:0010476, OMIM 300894.

Submission:

Labcorp Genetics (formerly Invitae), Labcorp
Classification: Uncertain significance for Neurodegeneration with brain iron accumulation 5. Last evaluated: 2023-12-22. Review status: criteria provided, single submitter. Criteria: Invitae Variant Classification Sherloc (09022015). Collection method: clinical testing. Allele origin: germline.
Comment: This sequence change replaces valine, which is neutral and non-polar, with aspartic acid, which is acidic and polar, at codon 324 of the WDR45 protein (p.Val324Asp). This variant is not present in population databases (gnomAD no frequency). This variant has not been reported in the literature in individuals affected with WDR45-related conditions. ClinVar contains an entry for this variant (Variation ID: 1722034). Advanced modeling of protein sequence and biophysical properties (such as structural, functional, and spatial information, amino acid conservation, physicochemical variation, residue mobility, and thermodynamic stability) performed at Invitae indicates that this missense variant is expected to disrupt WDR45 protein function with a positive predictive value of 80%. In summary, the available evidence is currently insufficient to determine the role of this variant in disease. Therefore, it has been classified as a Variant of Uncertain Significance.

NM_001029896.2(WDR45):c.968T>A (p.Val323Asp)

Gene: WDR45 (WD repeat domain 45; minus strand). Cytogenetic location: Xp11.23.
Variant type: single nucleotide variant.
Coding change: c.968T>A on transcript NM_001029896.2 (MANE Select); coding-DNA position 968, T replaced by A.
Protein change: p.Val323Asp; replaces valine 323 with aspartic acid.
Molecular consequence: missense variant.
Genome position (GRCh38, 1-based): chrX:49,075,141, A>T on the plus strand (T>A on the coding strand, the complement: WDR45 is on the minus strand). VCF-style: chrX-49075141-A-T. GRCh37 (hg19) VCF-style: chrX-48932800-A-T.
Other names: c.971T>A, p.Val324Asp (NM_007075.4); short protein forms V323D, V324D.
Identifiers: ClinVar variation 1722034 (VCV001722034.5), dbSNP rs2520260030, ClinGen allele CA412941810.